The following is an entry in ClinVar:

ClinVar aggregate classification (germline): Uncertain significance (1 of 4 stars; one submission).

Allele frequency attached by ClinVar (database versions not stated): gnomAD exomes below 0.00001; TOPMed below 0.00001; ExAC 0.00001.
gnomAD v4.1: 3 of 1,614,240 alleles (0.00019%); highest among the groups gnomAD compares: East Asian, 0.0022%; no homozygotes.

Submission:

Labcorp Genetics (formerly Invitae), Labcorp
Classification: Uncertain significance. Last evaluated: 2025-03-31. Review status: criteria provided, single submitter. Criteria: Invitae Variant Classification Sherloc (09022015). Collection method: clinical testing. Allele origin: germline.
Comment: This sequence change replaces isoleucine, which is neutral and non-polar, with valine, which is neutral and non-polar, at codon 243 of the OSBPL2 protein (p.Ile243Val). This variant is present in population databases (rs766793194, gnomAD 0.0009%). This variant has not been reported in the literature in individuals affected with OSBPL2-related conditions. ClinVar contains an entry for this variant (Variation ID: 2071829). An algorithm developed to predict the effect of missense changes on protein structure and function (PolyPhen-2) suggests that this variant is likely to be disruptive. In summary, the available evidence is currently insufficient to determine the role of this variant in disease. Therefore, it has been classified as a Variant of Uncertain Significance.

NM_144498.4(OSBPL2):c.727A>G (p.Ile243Val)

Gene: OSBPL2 (oxysterol binding protein like 2; plus strand). Cytogenetic location: 20q13.33.
Variant type: single nucleotide variant.
Coding change: c.727A>G on transcript NM_144498.4 (MANE Select); coding-DNA position 727, A replaced by G.
Protein change: p.Ile243Val; replaces isoleucine 243 with valine.
Molecular consequence: missense variant.
Genome position (GRCh38, 1-based): chr20:62,281,110, A>G. VCF-style: chr20-62281110-A-G. GRCh37 (hg19) VCF-style: chr20-60856166-A-G.
Other names: c.451A>G, p.Ile151Val (NM_001278649.3, NM_001363878.2); c.691A>G, p.Ile231Val (NM_014835.5); short protein forms I151V, I231V, I243V.
Identifiers: ClinVar variation 2071829 (VCV002071829.4), dbSNP rs766793194, ClinGen allele CA9938547.